The following is an entry in ClinVar:

NC_000001.11:g.1509223G>A

Genes: ATAD3A (ATPase family AAA domain containing 3A; plus strand), ATAD3B (ATPase family AAA domain containing 3B; plus strand). Cytogenetic location: 1p36.33.
Variant type: single nucleotide variant.
Genome position: GRCh38 VCF-style: chr1-1509223-G-A. GRCh37 (hg19) VCF-style: chr1-1444603-G-A.
Identifiers: ClinVar variation 2638019 (VCV002638019.24), dbSNP rs545190041, ClinGen allele CA525502.

ClinVar aggregate classification (germline): Likely benign (1 of 4 stars; one submission).

Allele frequency attached by ClinVar (database versions not stated): ExAC 0.00042; 1000 Genomes Project 0.00080; 1000 Genomes Project 30x 0.00109.
gnomAD v4.1: 453 of 1,612,608 alleles (0.028%); highest among the groups gnomAD compares: African/African-American, 0.28%; 6 homozygotes.

Submission:

CeGaT Center for Human Genetics Tuebingen
Classification: Likely benign. Last evaluated: 2023-01-01. Review status: criteria provided, single submitter. Criteria: CeGaT Center For Human Genetics Tuebingen Variant Classification Criteria Version 2. Collection method: clinical testing. Allele origin: germline. Affected: yes. Observed: 1 variant allele.
Comment: ATAD3A: BS2